The following is an entry in ClinVar:

ClinVar aggregate classification (germline): Uncertain significance (1 of 4 stars; one submission).

Submission:

GeneDx
Classification: Uncertain significance. Last evaluated: 2024-06-03. Review status: criteria provided, single submitter. Criteria: GeneDx Variant Classification Process June 2021. Collection method: clinical testing. Allele origin: germline. Affected: yes.
Comment: Nonsense variant predicted to result in protein truncation or nonsense mediated decay in a gene for which loss of function is a known mechanism of disease; Has not been previously published as pathogenic or benign to our knowledge

NM_001080413.3(NOBOX):c.138C>G (p.Tyr46Ter)

Gene: NOBOX (NOBOX oogenesis homeobox; minus strand). Cytogenetic location: 7q35.
Variant type: single nucleotide variant.
Coding change: c.138C>G on transcript NM_001080413.3; coding-DNA position 138, C replaced by G.
Protein change: p.Tyr46Ter; replaces tyrosine 46 with a stop codon.
Genome position (GRCh38, 1-based): chr7:144,404,628, G>C on the plus strand (C>G on the coding strand, the complement: NOBOX is on the minus strand). VCF-style: chr7-144404628-G-C. GRCh37 (hg19) VCF-style: chr7-144101721-G-C.
Other names: NM_001080413.3:c.138C>G; short protein forms Y46*.
Identifiers: ClinVar variation 3390607 (VCV003390607.1), dbSNP rs370043070.